The following is an entry in ClinVar:

NM_178125.3(TRIM50):c.1419C>A (p.Pro473=)

Gene: TRIM50 (tripartite motif containing 50; minus strand). Cytogenetic location: 7q11.23.
Variant type: single nucleotide variant.
Coding change: c.1419C>A on transcript NM_178125.3 (MANE Select); coding-DNA position 1419, C replaced by A.
Protein change: p.Pro473=; no amino-acid change (proline 473 retained).
Molecular consequence: synonymous variant.
Genome position (GRCh38, 1-based): chr7:73,312,966, G>T on the plus strand (C>A on the coding strand, the complement: TRIM50 is on the minus strand). VCF-style: chr7-73312966-G-T. GRCh37 (hg19) VCF-style: chr7-72726962-G-T.
Other names: c.1416C>A, p.Pro472= (NM_001281450.1); c.1419C>A, p.Pro473= (NM_001281451.1).
Identifiers: ClinVar variation 2657548 (VCV002657548.24), dbSNP rs752342163, ClinGen allele CA4286043.

ClinVar aggregate classification (germline): Likely benign (1 of 4 stars; one submission).

Allele frequency attached by ClinVar (database versions not stated): gnomAD 0.00011; TOPMed 0.00012; ExAC 0.00015.
gnomAD v4.1: 139 of 1,550,396 alleles (0.009%); highest among the groups gnomAD compares: Middle Eastern, 0.28%; 2 homozygotes.

Submission:

CeGaT Center for Human Genetics Tuebingen
Classification: Likely benign. Last evaluated: 2023-03-01. Review status: criteria provided, single submitter. Criteria: CeGaT Center For Human Genetics Tuebingen Variant Classification Criteria Version 2. Collection method: clinical testing. Allele origin: germline. Affected: yes. Observed: 1 variant allele.
Comment: TRIM50: BP4, BP7